The following is an entry in ClinVar:

ClinVar aggregate classification (germline): Uncertain significance (1 of 4 stars; one submission).

Conditions:
Cardiac arrhythmia. Also called: Cardiac rhythm disease; Arrhythmia. Identifiers: MedGen C0003811, MONDO:0007263, HP:0011675.

Submission:

Color Diagnostics, LLC DBA Color Health
Classification: Uncertain significance for Cardiac arrhythmia. Last evaluated: 2025-01-19. Review status: criteria provided, single submitter. Criteria: ACMG Guidelines, 2015. Collection method: clinical testing. Allele origin: germline.
Comment: This missense variant replaces proline with threonine at codon 957 of the KCNH2 protein. Computational prediction is inconclusive regarding the impact of this variant on protein structure and function (internally defined REVEL score threshold 0.5 < inconclusive < 0.7, PMID: 27666373). To our knowledge, functional studies have not been reported for this variant. This variant has not been reported in individuals affected with KCNH2-related disorders in the literature. This variant has not been identified in the general population by the Genome Aggregation Database (gnomAD). The available evidence is insufficient to determine the role of this variant in disease conclusively. Therefore, this variant is classified as a Variant of Uncertain Significance.

NM_000238.4(KCNH2):c.2869C>A (p.Pro957Thr)

Gene: KCNH2 (potassium voltage-gated channel subfamily H member 2; minus strand). Cytogenetic location: 7q36.1.
Variant type: single nucleotide variant.
Coding change: c.2869C>A on transcript NM_000238.4 (MANE Select); coding-DNA position 2869, C replaced by A.
Protein change: p.Pro957Thr; replaces proline 957 with threonine.
Molecular consequence: missense variant.
Genome position (GRCh38, 1-based): chr7:150,947,702, G>T on the plus strand (C>A on the coding strand, the complement: KCNH2 is on the minus strand). VCF-style: chr7-150947702-G-T. GRCh37 (hg19) VCF-style: chr7-150644790-G-T.
Other names: c.2581C>A, p.Pro861Thr (NM_001406753.1); c.1849C>A, p.Pro617Thr (NM_172057.3); short protein forms P617T, P861T, P957T.
Identifiers: ClinVar variation 3894223 (VCV003894223.1).